The following is an entry in ClinVar:

NM_001199397.3(NEK1):c.3154A>G (p.Lys1052Glu)

Gene: NEK1 (NIMA related kinase 1; minus strand). Cytogenetic location: 4q33.
Variant type: single nucleotide variant.
Coding change: c.3154A>G on transcript NM_001199397.3 (MANE Select); coding-DNA position 3154, A replaced by G.
Protein change: p.Lys1052Glu; replaces lysine 1052 with glutamic acid.
Molecular consequence: missense variant. On other transcripts: non-coding transcript variant (1).
Genome position (GRCh38, 1-based): chr4:169,424,621, T>C on the plus strand (A>G on the coding strand, the complement: NEK1 is on the minus strand). VCF-style: chr4-169424621-T-C. GRCh37 (hg19) VCF-style: chr4-170345772-T-C.
Other names: c.3022A>G, p.Lys1008Glu (NM_001199398.3); c.2863A>G, p.Lys955Glu (NM_001199399.3); c.2938A>G, p.Lys980Glu (NM_001199400.3); c.3154A>G, p.Lys1052Glu (NM_001374418.1); c.3070A>G, p.Lys1024Glu (NM_001374419.1, NM_012224.4); c.3019A>G, p.Lys1007Glu (NM_001374420.1); c.2671A>G, p.Lys891Glu (NM_001374421.1); short protein forms K1008E, K1007E, K955E, K1024E, K891E, K980E, K1052E.
Identifiers: ClinVar variation 2725119 (VCV002725119.3), dbSNP rs1226404048, ClinGen allele CA358801254.

ClinVar aggregate classification (germline): Uncertain significance (1 of 4 stars; one submission).

Conditions:
Short-rib thoracic dysplasia 6 with or without polydactyly (SRTD6). Also called: SHORT-RIB THORACIC DYSPLASIA 6 WITH POLYDACTYLY; Majewski Syndrome; POLYDACTYLY WITH NEONATAL CHONDRODYSTROPHY, TYPE II; SHORT RIB-POLYDACTYLY SYNDROME, TYPE IIA; SHORT-RIB THORACIC DYSPLASIA 6 WITHOUT POLYDACTYLY. Identifiers: MedGen C0024507, MONDO:0009894, OMIM 263520.

Allele frequency attached by ClinVar (database versions not stated): gnomAD exomes below 0.00001; gnomAD 0.00001.
gnomAD v4.1: 2 of 1,613,170 alleles (0.00012%); highest among the groups gnomAD compares: Non-Finnish European, 0.00017%; no homozygotes.

Submission:

Labcorp Genetics (formerly Invitae), Labcorp
Classification: Uncertain significance for Short-rib thoracic dysplasia 6 with or without polydactyly. Last evaluated: 2023-05-29. Review status: criteria provided, single submitter. Criteria: Invitae Variant Classification Sherloc (09022015). Collection method: clinical testing. Allele origin: germline.
Comment: This variant is present in population databases (no rsID available, gnomAD 0.0009%). In summary, the available evidence is currently insufficient to determine the role of this variant in disease. Therefore, it has been classified as a Variant of Uncertain Significance. Advanced modeling of protein sequence and biophysical properties (such as structural, functional, and spatial information, amino acid conservation, physicochemical variation, residue mobility, and thermodynamic stability) has been performed at Invitae for this missense variant, however the output from this modeling did not meet the statistical confidence thresholds required to predict the impact of this variant on NEK1 protein function. This variant has not been reported in the literature in individuals affected with NEK1-related conditions. This sequence change replaces lysine, which is basic and polar, with glutamic acid, which is acidic and polar, at codon 1024 of the NEK1 protein (p.Lys1024Glu).